The following is an entry in ClinVar:

NM_001199397.3(NEK1):c.2687C>T (p.Ser896Phe)

Genes: NEK1 (NIMA related kinase 1; minus strand), LOC129993365 (ATAC-STARR-seq lymphoblastoid silent region 15794; plus strand). Cytogenetic location: 4q33.
Variant type: single nucleotide variant.
Coding change: c.2687C>T on transcript NM_001199397.3 (MANE Select); coding-DNA position 2687, C replaced by T.
Protein change: p.Ser896Phe; replaces serine 896 with phenylalanine.
Molecular consequence: missense variant. On other transcripts: non-coding transcript variant (1), intron variant (1).
Genome position (GRCh38, 1-based): chr4:169,438,160, G>A on the plus strand (C>T on the coding strand, the complement: NEK1 is on the minus strand). VCF-style: chr4-169438160-G-A. GRCh37 (hg19) VCF-style: chr4-170359311-G-A.
Other names: c.2555C>T, p.Ser852Phe (NM_001199398.3); c.2396C>T, p.Ser799Phe (NM_001199399.3); c.2471C>T, p.Ser824Phe (NM_001199400.3); c.2687C>T, p.Ser896Phe (NM_001374418.1); c.2603C>T, p.Ser868Phe (NM_001374419.1, NM_012224.4); c.2552C>T, p.Ser851Phe (NM_001374420.1); c.2282-4495C>T (NM_001374421.1); short protein forms S824F, S852F, S799F, S868F, S896F, S851F.
Identifiers: ClinVar variation 653018 (VCV000653018.9), dbSNP rs1048939661, ClinGen allele CA109871169.

ClinVar aggregate classification (germline): Uncertain significance (1 of 4 stars; one submission).

Conditions:
Short-rib thoracic dysplasia 6 with or without polydactyly (SRTD6). Also called: POLYDACTYLY WITH NEONATAL CHONDRODYSTROPHY, TYPE II; SHORT-RIB THORACIC DYSPLASIA 6 WITH POLYDACTYLY; SHORT-RIB THORACIC DYSPLASIA 6 WITHOUT POLYDACTYLY; Majewski Syndrome; SHORT RIB-POLYDACTYLY SYNDROME, TYPE IIA. Identifiers: MedGen C0024507, MONDO:0009894, OMIM 263520.

Allele frequency attached by ClinVar (database versions not stated): gnomAD exomes 0.00001; gnomAD 0.00003; TOPMed 0.00005.
gnomAD v4.1: 33 of 1,609,376 alleles (0.0021%); highest among the groups gnomAD compares: Admixed American, 0.005%; no homozygotes.

Submission:

Labcorp Genetics (formerly Invitae), Labcorp
Classification: Uncertain significance for Short-rib thoracic dysplasia 6 with or without polydactyly. Last evaluated: 2022-07-19. Review status: criteria provided, single submitter. Criteria: Invitae Variant Classification Sherloc (09022015). Collection method: clinical testing. Allele origin: germline.
Comment: This sequence change replaces serine, which is neutral and polar, with phenylalanine, which is neutral and non-polar, at codon 868 of the NEK1 protein (p.Ser868Phe). In summary, the available evidence is currently insufficient to determine the role of this variant in disease. Therefore, it has been classified as a Variant of Uncertain Significance. Advanced modeling of protein sequence and biophysical properties (such as structural, functional, and spatial information, amino acid conservation, physicochemical variation, residue mobility, and thermodynamic stability) performed at Invitae indicates that this missense variant is not expected to disrupt NEK1 protein function. ClinVar contains an entry for this variant (Variation ID: 653018). This variant has not been reported in the literature in individuals affected with NEK1-related conditions. This variant is present in population databases (no rsID available, gnomAD 0.002%).